The following is an entry in ClinVar:

NM_000535.7(PMS2):c.2153T>C (p.Leu718Pro)

Gene: PMS2 (PMS1 homolog 2, mismatch repair system component; minus strand). Cytogenetic location: 7p22.1.
Variant type: single nucleotide variant.
Coding change: c.2153T>C on transcript NM_000535.7 (MANE Select); coding-DNA position 2153, T replaced by C.
Protein change: p.Leu718Pro; replaces leucine 718 with proline.
Molecular consequence: missense variant. On other transcripts: non-coding transcript variant (1).
Genome position (GRCh38, 1-based): chr7:5,982,845, A>G on the plus strand (T>C on the coding strand, the complement: PMS2 is on the minus strand). VCF-style: chr7-5982845-A-G. GRCh37 (hg19) VCF-style: chr7-6022476-A-G.
Other names: c.1748T>C, p.Leu583Pro (NM_001322003.2, NM_001322004.2, NM_001322005.2 and 1 more transcripts); c.1997T>C, p.Leu666Pro (NM_001322006.2); c.1835T>C, p.Leu612Pro (NM_001322007.2, NM_001322008.2); c.1592T>C, p.Leu531Pro (NM_001322010.2); c.1220T>C, p.Leu407Pro (NM_001322011.2, NM_001322012.2); c.1580T>C, p.Leu527Pro (NM_001322013.2); c.2153T>C, p.Leu718Pro (NM_001322014.2); c.1844T>C, p.Leu615Pro (NM_001322015.2); short protein forms L718P, L407P, L527P, L615P, L666P, L531P, L583P, L612P.
Identifiers: ClinVar variation 575547 (VCV000575547.18), dbSNP rs755117943, ClinGen allele CA046753.

ClinVar aggregate classification (germline): Uncertain significance. Review status: criteria provided, multiple submitters, no conflicts (2 of 4 stars). 5 submissions from 5 submitters: Uncertain significance (5). Last evaluated 2025-12-29.

Conditions:
Hereditary nonpolyposis colorectal neoplasms. Identifiers: MedGen C0009405, MeSH D003123.
Hereditary cancer-predisposing syndrome. Also called: Tumor predisposition; Hereditary neoplastic syndrome; Hereditary Cancer Syndrome; Neoplastic Syndromes, Hereditary. Identifiers: Orphanet 140162, MedGen C0027672, MeSH D009386, MONDO:0015356.

Allele frequency attached by ClinVar (database versions not stated): gnomAD exomes below 0.00001 and 0.00001; ExAC 0.00001.
gnomAD v4.1: 4 of 1,609,234 alleles (0.00025%); highest among the groups gnomAD compares: South Asian, 0.0011%; no homozygotes.

Submissions (5):

Center for Genomic Medicine, Rigshospitalet, Copenhagen University Hospital
Classification: Uncertain significance. Last evaluated: 2025-12-29. Review status: criteria provided, single submitter. Criteria: ACMG Guidelines, 2015. Collection method: clinical testing. Allele origin: germline.
Comment: Classification criteria: PM2_supporting

Ambry Genetics
Classification: Uncertain significance for Hereditary cancer-predisposing syndrome. Last evaluated: 2025-04-29. Review status: criteria provided, single submitter. Criteria: Ambry Variant Classification Scheme 2023. Collection method: clinical testing. Allele origin: germline.
Comment: The p.L718P variant (also known as c.2153T>C), located in coding exon 12 of the PMS2 gene, results from a T to C substitution at nucleotide position 2153. The leucine at codon 718 is replaced by proline, an amino acid with similar properties. This amino acid position is highly conserved in available vertebrate species. In addition, the in silico prediction for this alteration is inconclusive. Based on the available evidence, the clinical significance of this variant remains unclear.

GeneDx
Classification: Uncertain significance. Last evaluated: 2022-07-01. Review status: criteria provided, single submitter. Criteria: GeneDx Variant Classification Process June 2021. Collection method: clinical testing. Allele origin: germline. Affected: yes.
Comment: Not observed at significant frequency in large population cohorts (gnomAD); In silico analysis supports that this missense variant has a deleterious effect on protein structure/function; Has not been previously published as pathogenic or benign to our knowledge

Institute for Clinical Genetics, University Hospital TU Dresden, University Hospital TU Dresden
Classification: Uncertain significance. Last evaluated: 2021-11-03. Review status: criteria provided, single submitter. Criteria: ACMG Guidelines, 2015. Collection method: clinical testing. Allele origin: germline.

Labcorp Genetics (formerly Invitae), Labcorp
Classification: Uncertain significance for Hereditary nonpolyposis colorectal neoplasms. Last evaluated: 2018-06-13. Review status: criteria provided, single submitter. Criteria: Invitae Variant Classification Sherloc (09022015). Collection method: clinical testing. Allele origin: germline.
Comment: In summary, the available evidence is currently insufficient to determine the role of this variant in disease. Therefore, it has been classified as a Variant of Uncertain Significance. Algorithms developed to predict the effect of missense changes on protein structure and function (SIFT, PolyPhen-2, Align-GVGD) all suggest that this variant is likely to be disruptive, but these predictions have not been confirmed by published functional studies and their clinical significance is uncertain. This variant has not been reported in the literature in individuals with PMS2-related disease. The frequency data for this variant in the population databases is considered unreliable, as metrics indicate poor data quality at this position in the ExAC database. This sequence change replaces leucine with proline at codon 718 of the PMS2 protein (p.Leu718Pro). The leucine residue is highly conserved and there is a moderate physicochemical difference between leucine and proline.